The following is an entry in ClinVar:

NM_020919.4(ALS2):c.3319G>A (p.Gly1107Arg)

Gene: ALS2 (alsin Rho guanine nucleotide exchange factor ALS2; minus strand). Cytogenetic location: 2q33.1.
Variant type: single nucleotide variant.
Coding change: c.3319G>A on transcript NM_020919.4 (MANE Select); coding-DNA position 3319, G replaced by A.
Protein change: p.Gly1107Arg; replaces glycine 1107 with arginine.
Molecular consequence: missense variant.
Genome position (GRCh38, 1-based): chr2:201,725,384, C>T on the plus strand (G>A on the coding strand, the complement: ALS2 is on the minus strand). VCF-style: chr2-201725384-C-T. GRCh37 (hg19) VCF-style: chr2-202590107-C-T.
Other names: short protein forms G1107R.
Identifiers: ClinVar variation 412226 (VCV000412226.10), dbSNP rs757704778, ClinGen allele CA2057917.

ClinVar aggregate classification (germline): Conflicting classifications of pathogenicity. Review status: criteria provided, conflicting classifications (1 of 4 stars). 3 submissions from 3 submitters: Uncertain significance (2); Likely benign (1). Last evaluated 2026-10-10.

Conditions:
Inborn genetic diseases. Identifiers: MedGen C0950123, MeSH D030342.
Infantile-onset ascending hereditary spastic paralysis (IAHSP). Also called: Infantile-Onset Ascending Hereditary Spastic Paralysis (IAHSP); Autosomal Recessive Juvenile Amyotrophic Lateral Sclerosis. Identifiers: Orphanet 293168, MedGen C2931441, MONDO:0011797, OMIM 607225. Disease mechanism: loss of function.

Allele frequency attached by ClinVar (database versions not stated): gnomAD exomes 0.00006 and 0.00003; gnomAD 0.00004 and 0.00003; TOPMed 0.00004; ExAC 0.00006.

Submissions (3):

GeneDx
Classification: Uncertain significance. Last evaluated: 2026-10-10. Review status: criteria provided, single submitter. Criteria: GeneDx Variant Classification Process June 2021. Collection method: clinical testing. Allele origin: germline.
Comment: Reported in an individual with amyotrophic lateral sclerosis from a large cohort study, but patient-specific information was not provided (PMID: 40225153); In silico analysis supports that this missense variant has a deleterious effect on protein structure/function; This variant is associated with the following publications: (PMID: 40225153)

Labcorp Genetics (formerly Invitae), Labcorp
Classification: Likely benign for Infantile-onset ascending hereditary spastic paralysis. Last evaluated: 2025-04-10. Review status: criteria provided, single submitter. Criteria: Invitae Variant Classification Sherloc (09022015). Collection method: clinical testing. Allele origin: germline.

Ambry Genetics
Classification: Uncertain significance for Inborn genetic diseases. Last evaluated: 2022-09-27. Review status: criteria provided, single submitter. Criteria: Ambry Variant Classification Scheme 2023. Collection method: clinical testing. Allele origin: germline.